The following is an entry in ClinVar:

NM_000044.6(AR):c.239_240insGC (p.Glu81fs)

Genes: AR (androgen receptor; plus strand), LOC109504725 (androgen receptor repeat instability region; plus strand). Cytogenetic location: Xq12.
Variant type: Insertion.
Coding change: c.239_240insGC on transcript NM_000044.6 (MANE Select); coding-DNA positions 239 to 240, GC inserted.
Protein change: p.Glu81fs; shifts the reading frame from glutamic acid 81.
Molecular consequence: frameshift variant. On other transcripts: 5 prime UTR variant (1).
Genome position: GRCh38 VCF-style: chrX-67545385-A-AGC. GRCh37 (hg19) VCF-style: chrX-66765227-A-AGC.
Other names: c.-1545_-1544insGC (NM_001011645.3); c.239_240insGC, p.Glu81fs (NM_001348061.1, NM_001348063.1, NM_001348064.1); short protein forms E81fs.
Identifiers: ClinVar variation 3752625 (VCV003752625.2).

ClinVar aggregate classification (germline): Pathogenic (1 of 4 stars; one submission).

Conditions:
Kennedy disease (SMAX1). Also called: SPINAL AND BULBAR MUSCULAR ATROPHY, X-LINKED 1; KENNEDY SPINAL AND BULBAR MUSCULAR ATROPHY; Spinal and Bulbar Muscular Atrophy. Identifiers: Orphanet 481, MedGen C1839259, MONDO:0010735, OMIM 313200.
Androgen resistance syndrome (AIS). Also called: ANDROGEN RECEPTOR DEFICIENCY; DIHYDROTESTOSTERONE RECEPTOR DEFICIENCY; TESTICULAR FEMINIZATION SYNDROME; Androgen insensitivity syndrome; Androgen insensitivity; DHTR DEFICIENCY. Identifiers: Orphanet 754, Orphanet 99429, MedGen C0039585, MONDO:0019154, OMIM 300068. Disease mechanism: loss of function.

Submission:

Labcorp Genetics (formerly Invitae), Labcorp
Classification: Pathogenic for Kennedy disease; Androgen resistance syndrome. Last evaluated: 2024-12-04. Review status: criteria provided, single submitter. Criteria: Invitae Variant Classification Sherloc (09022015). Collection method: clinical testing. Allele origin: germline.
Comment: This sequence change creates a premature translational stop signal (p.Glu81Glnfs*95) in the AR gene. It is expected to result in an absent or disrupted protein product. Loss-of-function variants in AR are known to be pathogenic (PMID: 19463997). The frequency data for this variant in the population databases is considered unreliable, as metrics indicate poor data quality at this position in the gnomAD database. This variant has not been reported in the literature in individuals affected with AR-related conditions. For these reasons, this variant has been classified as Pathogenic.

Literature cited by the submitters: PubMed 19463997.